The following is an entry in ClinVar:

ClinVar aggregate classification (germline): Pathogenic (1 of 4 stars; one submission).

Conditions:
Peutz-Jeghers syndrome (PJS). Also called: POLYPOSIS, HAMARTOMATOUS INTESTINAL; POLYPS-AND-SPOTS SYNDROME; Peutz-Jeghers polyposis; Periorificial lentiginosis syndrome. Identifiers: Orphanet 2869, MedGen C0031269, MeSH D010580, MONDO:0008280, OMIM 175200.

Submission:

Labcorp Genetics (formerly Invitae), Labcorp
Classification: Pathogenic for Peutz-Jeghers syndrome. Last evaluated: 2018-05-26. Review status: criteria provided, single submitter. Criteria: Invitae Variant Classification Sherloc (09022015). Collection method: clinical testing. Allele origin: germline.
Comment: This variant has not been reported in the literature in individuals with STK11-related disease. For these reasons, this variant has been classified as Pathogenic. Loss-of-function variants in STK11 are known to be pathogenic (PMID: 15188174, 16287113). This variant is an out-of-frame deletion of the genomic region encompassing exon 7 of the STK11 gene. This is expected to create a premature translational stop signal and result in an absent or disrupted protein product.

Literature cited by the submitters: PubMed 15188174; PubMed 16287113.

NC_000019.10:g.(?_1221939)_(1222016_?)del

Gene: STK11 (serine/threonine kinase 11; plus strand). Cytogenetic location: 19p13.3.
Variant type: Deletion.
Identifiers: ClinVar variation 583799 (VCV000583799.5).